The following is an entry in ClinVar:

NM_057175.5(NAA15):c.5C>G (p.Pro2Arg)

Genes: NAA15 (N-alpha-acetyltransferase 15, NatA auxiliary subunit; plus strand), NDUFC1 (NADH:ubiquinone oxidoreductase subunit C1; minus strand). Cytogenetic location: 4q31.1.
Variant type: single nucleotide variant.
Coding change: c.5C>G on transcript NM_057175.5 (MANE Select); coding-DNA position 5, C replaced by G.
Protein change: p.Pro2Arg; replaces proline 2 with arginine.
Molecular consequence: missense variant. On other transcripts: intron variant (4).
Genome position (GRCh38, 1-based): chr4:139,301,782, C>G. VCF-style: chr4-139301782-C-G. GRCh37 (hg19) VCF-style: chr4-140222936-C-G.
Other names: c.5C>G, p.Pro2Arg (NM_001410842.1); c.-159+634G>C (NM_001184990.1); c.-163+634G>C (NM_001184987.1); c.-199+634G>C (NM_001184988.1); c.-222+634G>C (NM_001184989.2); short protein forms P2R.
Identifiers: ClinVar variation 4880939 (VCV004880939.2).

ClinVar aggregate classification (germline): Uncertain significance (1 of 4 stars; one submission).

Conditions:
Intellectual developmental disorder, autosomal dominant 50, with behavioral abnormalities. Also called: MENTAL RETARDATION, AUTOSOMAL DOMINANT 50; Intellectual disability, autosomal dominant 50. Identifiers: MedGen C4540470, MONDO:0030916, OMIM 617787.

Submission:

Dasa
Classification: Uncertain significance for Intellectual developmental disorder, autosomal dominant 50, with behavioral abnormalities. Last evaluated: 2025-09-09. Review status: criteria provided, single submitter. Criteria: DASA Assertion Criteria. Collection method: clinical testing. Allele origin: germline.
Comment: NM_057175.5(NAA15):c.5C>G (p.Pro2Arg) is a missense variant that results in the substitution of proline with arginine. This variant is absent from population databases. The currently available literature and clinical evidence are not sufficient to establish a definitive association between this variant and the reported condition. Therefore, this variant is classified as a variant of uncertain significance.